The following is an entry in ClinVar:

NM_002294.3(LAMP2):c.*2261A>G

Gene: LAMP2 (lysosome associated membrane protein 2; minus strand). Cytogenetic location: Xq24.
Variant type: single nucleotide variant.
Coding change: c.*2261A>G on transcript NM_002294.3 (MANE Select); 2261 bases downstream of the stop codon, A replaced by G.
Molecular consequence: 3 prime UTR variant. On other transcripts: intron variant (1).
Genome position (GRCh38, 1-based): chrX:120,429,062, T>C on the plus strand (A>G on the coding strand, the complement: LAMP2 is on the minus strand). VCF-style: chrX-120429062-T-C. GRCh37 (hg19) VCF-style: chrX-119562917-T-C.
Other names: c.1094-436A>G (NM_001122606.1).
Identifiers: ClinVar variation 367758 (VCV000367758.6), dbSNP rs12395643, ClinGen allele CA10651620.

ClinVar aggregate classification (germline): Benign (1 of 4 stars; one submission).

Conditions:
Danon disease. Also called: ANTOPOL DISEASE; PSEUDOGLYCOGENOSIS II; GSD IIb; LYSOSOMAL GLYCOGEN STORAGE DISEASE WITHOUT ACID MALTASE DEFICIENCY; Glycogen Storage Disease Type IIb. Identifiers: Orphanet 34587, MedGen C0878677, MONDO:0010281, OMIM 300257.

Allele frequency attached by ClinVar (database versions not stated): gnomAD exomes 0.00562; gnomAD 0.08818 and 0.09416; 1000 Genomes Project 0.10040; 1000 Genomes Project 30x 0.10343; TOPMed 0.10589.

Submission:

Illumina Laboratory Services, Illumina
Classification: Benign for Danon disease. Last evaluated: 2018-01-13. Review status: criteria provided, single submitter. Criteria: ICSL Variant Classification Criteria 13 December 2019. Collection method: clinical testing. Allele origin: germline.
Comment: This variant was observed in the ICSL laboratory as part of a predisposition screen in an ostensibly healthy population. It had not been previously curated by ICSL or reported in the Human Gene Mutation Database (HGMD: prior to June 1st, 2018), and was therefore a candidate for classification through an automated scoring system. Utilizing variant allele frequency, disease prevalence and penetrance estimates, and inheritance mode, an automated score was calculated to assess if this variant is too frequent to cause the disease. Based on the score and internal cut-off values, a variant classified as benign is not then subjected to further curation. The score for this variant resulted in a classification of benign for this disease.